The following is an entry in ClinVar:

ClinVar aggregate classification (germline): Uncertain significance (1 of 4 stars; one submission).

Allele frequency attached by ClinVar (database versions not stated): gnomAD exomes below 0.00001; TOPMed below 0.00001.
gnomAD v4.1: 1 of 1,614,108 alleles (0.000062%); highest among the groups gnomAD compares: Middle Eastern, 0.016%; no homozygotes.

Submission:

Labcorp Genetics (formerly Invitae), Labcorp
Classification: Uncertain significance. Last evaluated: 2022-10-17. Review status: criteria provided, single submitter. Criteria: Invitae Variant Classification Sherloc (09022015). Collection method: clinical testing. Allele origin: germline.
Comment: In summary, the available evidence is currently insufficient to determine the role of this variant in disease. Therefore, it has been classified as a Variant of Uncertain Significance. Algorithms developed to predict the effect of missense changes on protein structure and function output the following: SIFT: "Tolerated"; PolyPhen-2: "Benign"; Align-GVGD: "Class C0". The glutamic acid amino acid residue is found in multiple mammalian species, which suggests that this missense change does not adversely affect protein function. ClinVar contains an entry for this variant (Variation ID: 1480627). This variant has not been reported in the literature in individuals affected with AHR-related conditions. This variant is not present in population databases (gnomAD no frequency). This sequence change replaces glycine, which is neutral and non-polar, with glutamic acid, which is acidic and polar, at codon 722 of the AHR protein (p.Gly722Glu).

NM_001621.5(AHR):c.2165G>A (p.Gly722Glu)

Gene: AHR (aryl hydrocarbon receptor; plus strand). Cytogenetic location: 7p21.1.
Variant type: single nucleotide variant.
Coding change: c.2165G>A on transcript NM_001621.5 (MANE Select); coding-DNA position 2165, G replaced by A.
Protein change: p.Gly722Glu; replaces glycine 722 with glutamic acid.
Molecular consequence: missense variant.
Genome position (GRCh38, 1-based): chr7:17,339,990, G>A. VCF-style: chr7-17339990-G-A. GRCh37 (hg19) VCF-style: chr7-17379614-G-A.
Other names: short protein forms G722E.
Identifiers: ClinVar variation 1480627 (VCV001480627.7), dbSNP rs1782401746, ClinGen allele CA366896285.
Genomic context (GRCh38, chr7:17,339,990, plus strand): 5'-CCTGTAATCAGCCTGTATTACCACAACATTCCAAATGTACAGAGCTGGACTACCCTATGG[G>A]GAGTTTTGAACCATCCCCATACCCCACTACTTCTAGTTTAGAAGATTTTGTCACTTGTTT-3'
Protein context (NP_001612.1, residues 712-732): SKCTELDYPM[Gly722Glu]SFEPSPYPTT